The following is an entry in ClinVar:

NM_006206.6(PDGFRA):c.1901G>T (p.Arg634Ile)

Gene: PDGFRA (platelet derived growth factor receptor alpha; plus strand). Cytogenetic location: 4q12.
Variant type: single nucleotide variant.
Coding change: c.1901G>T on transcript NM_006206.6 (MANE Select); coding-DNA position 1901, G replaced by T.
Protein change: p.Arg634Ile; replaces arginine 634 with isoleucine.
Molecular consequence: missense variant.
Genome position (GRCh38, 1-based): chr4:54,277,905, G>T. VCF-style: chr4-54277905-G-T. GRCh37 (hg19) VCF-style: chr4-55144072-G-T.
Other names: c.1901G>T, p.Arg634Ile (NM_001347827.2, NM_001347829.2); c.1976G>T, p.Arg659Ile (NM_001347828.2); c.1940G>T, p.Arg647Ile (NM_001347830.2); short protein forms R634I, R647I, R659I.
Identifiers: ClinVar variation 2568084 (VCV002568084.2), dbSNP rs2110310885, ClinGen allele CA356893578.

ClinVar aggregate classification (germline): Uncertain significance (1 of 4 stars; one submission).

Conditions:
Hereditary cancer-predisposing syndrome. Also called: Hereditary neoplastic syndrome; Hereditary Cancer Syndrome; Neoplastic Syndromes, Hereditary; Tumor predisposition. Identifiers: Orphanet 140162, MedGen C0027672, MeSH D009386, MONDO:0015356.

Submission:

Ambry Genetics
Classification: Uncertain significance for Hereditary cancer-predisposing syndrome. Last evaluated: 2023-05-03. Review status: criteria provided, single submitter. Criteria: Ambry Variant Classification Scheme 2023. Collection method: clinical testing. Allele origin: germline.
Comment: The p.R634I variant (also known as c.1901G>T), located in coding exon 13 of the PDGFRA gene, results from a G to T substitution at nucleotide position 1901. The arginine at codon 634 is replaced by isoleucine, an amino acid with similar properties. This amino acid position is highly conserved in available vertebrate species. In addition, this alteration is predicted to be deleterious by in silico analysis. Since supporting evidence is limited at this time, the clinical significance of this alteration remains unclear.